The following is an entry in ClinVar:

ClinVar aggregate classification (germline): Uncertain significance (1 of 4 stars; one submission).

Conditions:
Inborn genetic diseases. Identifiers: MedGen C0950123, MeSH D030342.

Submission:

Ambry Genetics
Classification: Uncertain significance for Inborn genetic diseases. Last evaluated: 2024-04-29. Review status: criteria provided, single submitter. Criteria: Ambry Variant Classification Scheme 2023. Collection method: clinical testing. Allele origin: germline.
Comment: Loss of function has not been established as a mechanism of disease Based on insufficient or conflicting evidence, the clinical significance of this alteration remains unclear.

NM_004974.4(KCNA2):c.*1254G>T

Gene: KCNA2 (potassium voltage-gated channel subfamily A member 2; minus strand). Cytogenetic location: 1p13.3.
Variant type: single nucleotide variant.
Coding change: c.*1254G>T on transcript NM_004974.4 (MANE Select); 1254 bases downstream of the stop codon, G replaced by T.
Molecular consequence: 3 prime UTR variant. On other transcripts: splice donor variant (1).
Genome position (GRCh38, 1-based): chr1:110,602,029, C>A on the plus strand (G>T on the coding strand, the complement: KCNA2 is on the minus strand). VCF-style: chr1-110602029-C-A. GRCh37 (hg19) VCF-style: chr1-111144651-C-A.
Other names: c.1035+1G>T (NM_001204269.2).
Identifiers: ClinVar variation 3287488 (VCV003287488.1).